The following is an entry in ClinVar:

ClinVar aggregate classification (germline): Uncertain significance. Review status: criteria provided, multiple submitters, no conflicts (2 of 4 stars). 2 submissions from 2 submitters: Uncertain significance (2). Last evaluated 2025-05-08.

Conditions:
Immunodeficiency, common variable, 10. Also called: IMMUNODEFICIENCY, COMMON VARIABLE, WITH CENTRAL ADRENAL INSUFFICIENCY; DEFICIT IN ANTERIOR PITUITARY FUNCTION AND VARIABLE IMMUNODEFICIENCY. Identifiers: MedGen C3809991, MONDO:0014260, OMIM 615577.

Allele frequency attached by ClinVar (database versions not stated): gnomAD exomes 0.00001 and 0.00002; TOPMed below 0.00001; ExAC 0.00003.

Submissions (2):

Labcorp Genetics (formerly Invitae), Labcorp
Classification: Uncertain significance for Immunodeficiency, common variable, 10. Last evaluated: 2025-05-08. Review status: criteria provided, single submitter. Criteria: Invitae Variant Classification Sherloc (09022015). Collection method: clinical testing. Allele origin: germline.
Comment: This sequence change replaces methionine, which is neutral and non-polar, with threonine, which is neutral and polar, at codon 395 of the NFKB2 protein (p.Met395Thr). This variant is present in population databases (rs749068539, gnomAD 0.004%). This variant has not been reported in the literature in individuals affected with NFKB2-related conditions. ClinVar contains an entry for this variant (Variation ID: 978030). An algorithm developed to predict the effect of missense changes on protein structure and function outputs the following: PolyPhen-2: "Benign". The threonine amino acid residue is found in multiple mammalian species, which suggests that this missense change does not adversely affect protein function. In summary, the available evidence is currently insufficient to determine the role of this variant in disease. Therefore, it has been classified as a Variant of Uncertain Significance.

Undiagnosed Diseases Network, NIH
Classification: Uncertain significance for Immunodeficiency, common variable, 10. Last evaluated: 2018-05-18. Review status: criteria provided, single submitter. Criteria: ACMG Guidelines, 2015. Collection method: clinical testing. Allele origin: unknown. Inheritance: Autosomal dominant inheritance. Affected: yes. Observed: 1 variant allele, 1 heterozygote. Study: Undiagnosed Diseases Network (NIH), UDN.

NM_001322934.2(NFKB2):c.1184T>C (p.Met395Thr)

Genes: NFKB2 (nuclear factor kappa B subunit 2; plus strand), LOC130004599 (ATAC-STARR-seq lymphoblastoid silent region 2756; plus strand). Cytogenetic location: 10q24.32.
Variant type: single nucleotide variant.
Coding change: c.1184T>C on transcript NM_001322934.2 (MANE Select); coding-DNA position 1184, T replaced by C.
Protein change: p.Met395Thr; replaces methionine 395 with threonine.
Molecular consequence: missense variant.
Genome position (GRCh38, 1-based): chr10:102,399,354, T>C. VCF-style: chr10-102399354-T-C. GRCh37 (hg19) VCF-style: chr10-104159111-T-C.
Other names: c.1184T>C, p.Met395Thr (NM_001077494.3, NM_001261403.3, NM_001288724.1 and 1 more transcripts); c.1058T>C, p.Met353Thr (NM_001322935.1); short protein forms M353T, M395T.
Identifiers: ClinVar variation 978030 (VCV000978030.6), dbSNP rs749068539, ClinGen allele CA5664772.